The following is an entry in ClinVar:

ClinVar aggregate classification (germline): Uncertain significance (1 of 4 stars; one submission).

Submission:

Labcorp Genetics (formerly Invitae), Labcorp
Classification: Uncertain significance. Last evaluated: 2024-11-05. Review status: criteria provided, single submitter. Criteria: Invitae Variant Classification Sherloc (09022015). Collection method: clinical testing. Allele origin: germline.
Comment: This variant, c.160_162dup, results in the insertion of 1 amino acid(s) of the KIAA1549 protein (p.Leu54dup), but otherwise preserves the integrity of the reading frame. This variant is present in population databases (no rsID available, gnomAD 0.05%). This variant has not been reported in the literature in individuals affected with KIAA1549-related conditions. In summary, the available evidence is currently insufficient to determine the role of this variant in disease. Therefore, it has been classified as a Variant of Uncertain Significance.

NM_001164665.2(KIAA1549):c.151CTG[5] (p.Leu54_Ala55insLeu)

Gene: KIAA1549 (KIAA1549; minus strand). Cytogenetic location: 7q34.
Variant type: Microsatellite.
Coding change: c.151CTG[5] on transcript NM_001164665.2 (MANE Select); five copies in a row of the 3-base unit CTG starting at c.151; the reference has four copies in a row; one copy, 3 bases duplicated.
Protein change: p.Leu54_Ala55insLeu.
Molecular consequence: inframe insertion.
Genome position (GRCh38, 1-based): chr7:138,981,108-138,981,110, CAG duplicated on the plus strand (CTG on the coding strand, the reverse complement: KIAA1549 is on the minus strand); duplicating any 3 consecutive bases within chr7:138,981,108-138,981,120 gives the same sequence; the position shown is the placement nearest the transcript's 3' end. VCF-style (leftmost placement, unchanged base first): chr7-138981107-C-CCAG. GRCh37 (hg19) VCF-style: chr7-138665853-C-CCAG.
Other names: c.151CTG[5], p.Leu54_Ala55insLeu (NM_020910.3).
Identifiers: ClinVar variation 1925026 (VCV001925026.3), dbSNP rs1360759889, ClinGen allele CA578208968.